The following is an entry in ClinVar:

ClinVar aggregate classification (germline): Benign. Review status: reviewed by expert panel (3 of 4 stars). 7 submissions from 7 submitters: Benign (1). 6 of the submissions do not count toward it. Last evaluated 2024-12-03.

Conditions:
RASopathy. Also called: Noonan spectrum disorder; rasopathies. Identifiers: Orphanet 536391, MedGen C5555857, MONDO:0021060.
MRAS-related disorder. Also called: MRAS-related condition.

Allele frequency attached by ClinVar (database versions not stated): gnomAD exomes 0.00237 and 0.00688; ExAC 0.00877; gnomAD 0.02625 and 0.02779; ESP Exome Variant Server 0.02737; TOPMed 0.02953; 1000 Genomes Project 0.03195; 1000 Genomes Project 30x 0.03342.
gnomAD v4.1: 7,363 of 1,497,356 alleles (0.49%); highest among the groups gnomAD compares: African/African-American, 8.8%; 289 homozygotes.

Submissions (7):

ClinGen RASopathy Variant Curation Expert Panel
Classification: Benign for RASopathy. Last evaluated: 2024-12-03. Review status: reviewed by expert panel. Criteria: ClinGen RASopathy ACMG Specifications MRAS V1.4.0. Collection method: curation. Allele origin: germline. Inheritance: Autosomal dominant inheritance.
Comment: The c.177A>G (p.Gln59=) variant in MRAS is a synonymous variant at position 59. This variant has a filtering allele frequency of 8.578% in the African/African American population in gnomAD v2, which is higher than the ClinGen RASopathy VCEP threshold (>0.0005) for BA1, and therefore meets this criterion (BA1). In summary, this variant meets the criteria to be classified as benign for autosomal dominant RASopathy based on the ACMG/AMP criteria applied, as specified by the ClinGen RASopathy VCEP: BA1 (RASopathy VCEP specifications version 1.4; 12/3/2024).

Labcorp Genetics (formerly Invitae), Labcorp
Classification: Benign. Last evaluated: 2026-02-03. Review status: criteria provided, single submitter. Criteria: Invitae Variant Classification Sherloc (09022015). Collection method: clinical testing. Allele origin: germline. Not counted in ClinVar's aggregate classification.

Mayo Clinic Laboratories, Mayo Clinic
Classification: Benign. Last evaluated: 2023-05-28. Review status: criteria provided, single submitter. Criteria: ACMG Guidelines, 2015. Collection method: clinical testing. Allele origin: germline. Observed: 30 variant alleles. Not counted in ClinVar's aggregate classification.

GeneDx
Classification: Benign. Last evaluated: 2021-05-04. Review status: criteria provided, single submitter. Criteria: GeneDx Variant Classification Process June 2021. Collection method: clinical testing. Allele origin: germline. Affected: yes. Not counted in ClinVar's aggregate classification.

Women's Health and Genetics/Laboratory Corporation of America, LabCorp
Classification: Benign. Last evaluated: 2017-07-05. Review status: criteria provided, single submitter. Criteria: LabCorp Variant Classification Summary - May 2015. Collection method: clinical testing. Allele origin: germline. Not counted in ClinVar's aggregate classification.
Comment: Variant summary: The MRAS c.177A>G (p.Gln59Gln) variant involves the alteration of a non-conserved nucleotide, resulting in a synonymous change. One in silico tool predicts a polymorphism outcome for this variant. 4/5 splice prediction tools predict no significant impact on normal splicing. ESE finder predicts that this variant may affect binding of multiple ESE sites. However, these predictions have yet to be confirmed by functional studies. This variant was found in 1003/114336 control chromosomes (42 homozygotes) from ExAC, predominantly observed in the African subpopulation at a frequency of 0.088807 (914/10292). This frequency is about 35523 times the estimated maximal expected allele frequency of a pathogenic MRAS variant (0.0000025), thus this variant is a common benign polymorphism found primarily in the populations of African origin. The variant of interest has not, to our knowledge, been reported in affected individuals via publications and/or reputable databases/clinical diagnostic laboratories. Taken together, this variant is classified as benign.

Breakthrough Genomics
Classification: Benign. Review status: criteria provided, single submitter. Criteria: ACMG Guidelines, 2015. Collection method: not provided. Allele origin: germline. Inheritance: Autosomal dominant inheritance. Affected: yes. Not counted in ClinVar's aggregate classification.

PreventionGenetics, part of Exact Sciences
Classification: Benign for MRAS-related condition. Last evaluated: 2019-11-06. Review status: no assertion criteria provided. Collection method: clinical testing. Allele origin: germline. Not counted in ClinVar's aggregate classification.
Comment: This variant is classified as benign based on ACMG/AMP sequence variant interpretation guidelines (Richards et al. 2015 PMID: 25741868, with internal and published modifications).

NM_001085049.3(MRAS):c.177A>G (p.Gln59=)

Gene: MRAS (muscle RAS oncogene homolog; plus strand). Cytogenetic location: 3q22.3.
Variant type: single nucleotide variant.
Coding change: c.177A>G on transcript NM_001085049.3 (MANE Select); coding-DNA position 177, A replaced by G.
Protein change: p.Gln59=; no amino-acid change (glutamine 59 retained).
Molecular consequence: synonymous variant. On other transcripts: intron variant (3).
Genome position (GRCh38, 1-based): chr3:138,373,060, A>G. VCF-style: chr3-138373060-A-G. GRCh37 (hg19) VCF-style: chr3-138091902-A-G.
Other names: NM_001085049.3(MRAS):c.177A>G; p.Gln59=; c.177A>G, p.Gln59= (NM_001252090.2, NM_012219.4); c.-35-24264A>G (NM_001252091.1, NM_001252093.2); c.-36+24028A>G (NM_001252092.2).
Identifiers: ClinVar variation 496407 (VCV000496407.15), dbSNP rs16848033, ClinGen allele CA2636928.